The following is an entry in ClinVar:

NM_006282.5(STK4):c.524C>T (p.Thr175Ile)

Gene: STK4 (serine/threonine kinase 4; plus strand). Cytogenetic location: 20q13.12.
Variant type: single nucleotide variant.
Coding change: c.524C>T on transcript NM_006282.5 (MANE Select); coding-DNA position 524, C replaced by T.
Protein change: p.Thr175Ile; replaces threonine 175 with isoleucine.
Molecular consequence: missense variant.
Genome position (GRCh38, 1-based): chr20:44,987,295, C>T. VCF-style: chr20-44987295-C-T. GRCh37 (hg19) VCF-style: chr20-43615936-C-T.
Other names: c.524C>T, p.Thr175Ile (NM_001352385.2); short protein forms T175I.
Identifiers: ClinVar variation 2041840 (VCV002041840.1), dbSNP rs2515614408, ClinGen allele CA409124492.

ClinVar aggregate classification (germline): Uncertain significance (1 of 4 stars; one submission).

Conditions:
Combined immunodeficiency due to STK4 deficiency (IMD110). Also called: T-cell immunodeficiency, recurrent infections, and autoimmunity with or without cardiac malformations; STK4 DEFICIENCY; MST1 DEFICIENCY. Identifiers: Orphanet 314689, MedGen C3553943, MONDO:0013934, OMIM 614868.

Allele frequency attached by ClinVar (database versions not stated): gnomAD exomes below 0.00001.
gnomAD v4.1: 6 of 1,606,220 alleles (0.00037%); highest among the groups gnomAD compares: Middle Eastern, 0.017%; no homozygotes.

Submission:

Labcorp Genetics (formerly Invitae), Labcorp
Classification: Uncertain significance for Combined immunodeficiency due to STK4 deficiency. Last evaluated: 2022-08-09. Review status: criteria provided, single submitter. Criteria: Invitae Variant Classification Sherloc (09022015). Collection method: clinical testing. Allele origin: germline.
Comment: This sequence change replaces threonine, which is neutral and polar, with isoleucine, which is neutral and non-polar, at codon 175 of the STK4 protein (p.Thr175Ile). This variant is not present in population databases (gnomAD no frequency). This variant has not been reported in the literature in individuals affected with STK4-related conditions. Algorithms developed to predict the effect of missense changes on protein structure and function are either unavailable or do not agree on the potential impact of this missense change (SIFT: "Not Available"; PolyPhen-2: "Probably Damaging"; Align-GVGD: "Not Available"). In summary, the available evidence is currently insufficient to determine the role of this variant in disease. Therefore, it has been classified as a Variant of Uncertain Significance.